The following is an entry in ClinVar:

NM_001009944.3(PKD1):c.11412-7_11468del

Genes: PKD1 (polycystin 1, transient receptor potential channel interacting; minus strand), PKD1-AS1 (PKD1 antisense RNA 1; plus strand). Cytogenetic location: 16p13.3.
Variant type: Deletion.
Coding change: c.11412-7_11468del on transcript NM_001009944.3 (MANE Select); 7 bases into the intron before coding-DNA position 11412 through coding-DNA position 11468, 64 bases deleted.
Molecular consequence: splice acceptor variant.
Genome position (GRCh38, 1-based): chr16:2,091,850-2,091,913, 64 bases deleted. GRCh37 (hg19): chr16:2,141,853-2,141,916.
Other names: c.11409-7_11465del (NM_000296.4).
Identifiers: ClinVar variation 2692344 (VCV002692344.3), dbSNP rs2544620556, ClinGen allele CA2697549572.

ClinVar aggregate classification (germline): Conflicting classifications of pathogenicity. Review status: criteria provided, conflicting classifications (1 of 4 stars). 2 submissions from 2 submitters: Pathogenic (1); Uncertain significance (1). Last evaluated 2024-09-10.

Conditions:
Polycystic kidney disease, adult type (PKD1). Also called: Polycystic Kidney, Autosomal Dominant; Polycystic Kidney Disease 1, Autosomal Dominant; Polycystic kidney disease 1; Polycystic kidney disease 1, severe; POLYCYSTIC KIDNEY DISEASE, ADULT, TYPE I; POLYCYSTIC KIDNEY DISEASE 1 WITH OR WITHOUT POLYCYSTIC LIVER DISEASE. Identifiers: MedGen C3149841, MONDO:0008263, OMIM 173900.

Submissions (2):

Institute of Human Genetics, University of Leipzig Medical Center
Classification: Uncertain significance for Polycystic kidney disease, adult type. Last evaluated: 2024-09-10. Review status: criteria provided, single submitter. Criteria: ACMG Guidelines, 2015. Collection method: clinical testing. Allele origin: unknown. Inheritance: Autosomal dominant inheritance. Affected: yes.
Comment: Criteria applied: PM2_MOD,PS4_SUP,PP3

MVZ Medizinische Genetik Mainz
Classification: Pathogenic for Polycystic kidney disease, adult type. Last evaluated: 2023-09-18. Review status: criteria provided, single submitter. Criteria: UK Practice Guidelines For Variant Classification V4 01 2020. Collection method: clinical testing. Allele origin: germline. Inheritance: Autosomal dominant inheritance. Affected: yes. Observed: 1 variant allele.